The following is an entry in ClinVar:

ClinVar aggregate classification (germline): Uncertain significance (1 of 4 stars; one submission).

Submission:

Labcorp Genetics (formerly Invitae), Labcorp
Classification: Uncertain significance. Last evaluated: 2022-08-16. Review status: criteria provided, single submitter. Criteria: Invitae Variant Classification Sherloc (09022015). Collection method: clinical testing. Allele origin: germline.
Comment: In summary, the available evidence is currently insufficient to determine the role of this variant in disease. Therefore, it has been classified as a Variant of Uncertain Significance. Algorithms developed to predict the effect of missense changes on protein structure and function output the following: SIFT: "Tolerated"; PolyPhen-2: "Benign"; Align-GVGD: "Class C0". The aspartic acid amino acid residue is found in multiple mammalian species, which suggests that this missense change does not adversely affect protein function. This variant has not been reported in the literature in individuals affected with MRPS22-related conditions. This variant is not present in population databases (gnomAD no frequency). This sequence change replaces glutamic acid, which is acidic and polar, with aspartic acid, which is acidic and polar, at codon 323 of the MRPS22 protein (p.Glu323Asp).

NM_020191.4(MRPS22):c.969G>T (p.Glu323Asp)

Gene: MRPS22 (mitochondrial ribosomal protein S22; plus strand). Cytogenetic location: 3q23.
Variant type: single nucleotide variant.
Coding change: c.969G>T on transcript NM_020191.4 (MANE Select); coding-DNA position 969, G replaced by T.
Protein change: p.Glu323Asp; replaces glutamic acid 323 with aspartic acid.
Molecular consequence: missense variant.
Genome position (GRCh38, 1-based): chr3:139,355,772, G>T. VCF-style: chr3-139355772-G-T. GRCh37 (hg19) VCF-style: chr3-139074614-G-T.
Other names: c.846G>T, p.Glu282Asp (NM_001363857.1); c.966G>T, p.Glu322Asp (NM_001363893.1); short protein forms E282D, E322D, E323D.
Identifiers: ClinVar variation 1716524 (VCV001716524.5), dbSNP rs776421496, ClinGen allele CA354765079.